The following is an entry in ClinVar:

ClinVar aggregate classification (germline): Uncertain significance (1 of 4 stars; one submission).

gnomAD v4.1: 2 of 1,614,126 alleles (0.00012%); highest among the groups gnomAD compares: Non-Finnish European, 0.00017%; no homozygotes.

Submission:

Labcorp Genetics (formerly Invitae), Labcorp
Classification: Uncertain significance. Last evaluated: 2022-01-20. Review status: criteria provided, single submitter. Criteria: Invitae Variant Classification Sherloc (09022015). Collection method: clinical testing. Allele origin: germline.
Comment: In summary, the available evidence is currently insufficient to determine the role of this variant in disease. Therefore, it has been classified as a Variant of Uncertain Significance. Algorithms developed to predict the effect of missense changes on protein structure and function output the following: SIFT: "Tolerated"; PolyPhen-2: "Benign"; Align-GVGD: "Class C0". The serine amino acid residue is found in multiple mammalian species, which suggests that this missense change does not adversely affect protein function. This variant has not been reported in the literature in individuals affected with FCHO1-related conditions. This variant is not present in population databases (gnomAD no frequency). This sequence change replaces alanine, which is neutral and non-polar, with serine, which is neutral and polar, at codon 685 of the FCHO1 protein (p.Ala685Ser).

NM_015122.3(FCHO1):c.2053G>T (p.Ala685Ser)

Gene: FCHO1 (FCH and mu domain containing endocytic adaptor 1; plus strand). Cytogenetic location: 19p13.11.
Variant type: single nucleotide variant.
Coding change: c.2053G>T on transcript NM_015122.3 (MANE Select); coding-DNA position 2053, G replaced by T.
Protein change: p.Ala685Ser; replaces alanine 685 with serine.
Molecular consequence: missense variant. On other transcripts: non-coding transcript variant (36).
Genome position (GRCh38, 1-based): chr19:17,783,132, G>T. VCF-style: chr19-17783132-G-T. GRCh37 (hg19) VCF-style: chr19-17893941-G-T.
Other names: c.1978G>T, p.Ala660Ser (NM_001384390.1); c.2053G>T, p.Ala685Ser (NM_001384391.1, NM_001161357.2, NM_001161358.2 and 13 more transcripts); c.1936G>T, p.Ala646Ser (NM_001384392.1, NM_001384393.1, NM_001384394.1 and 1 more transcripts); c.1777G>T, p.Ala593Ser (NM_001384404.1, NM_001384402.1, NM_001384396.1 and 5 more transcripts); c.2014G>T, p.Ala672Ser (NM_001384405.1, NM_001384388.1, NM_001384389.1); c.1732G>T, p.Ala578Ser (NM_001384403.1); c.1627G>T, p.Ala543Ser (NM_001384406.1); c.1483G>T, p.Ala495Ser (NM_001384407.1); and 1 more; short protein forms A495S, A646S, A672S, A685S, A578S, A543S, A593S, A660S.
Identifiers: ClinVar variation 1916357 (VCV001916357.5), dbSNP rs775232231, ClinGen allele CA404756174.